The following is an entry in ClinVar:

NM_003865.3(HESX1):c.400G>C (p.Gly134Arg)

Gene: HESX1 (HESX homeobox 1; minus strand). Cytogenetic location: 3p14.3.
Variant type: single nucleotide variant.
Coding change: c.400G>C on transcript NM_003865.3 (MANE Select); coding-DNA position 400, G replaced by C.
Protein change: p.Gly134Arg; replaces glycine 134 with arginine.
Molecular consequence: missense variant. On other transcripts: non-coding transcript variant (1).
Genome position (GRCh38, 1-based): chr3:57,198,450, C>G on the plus strand (G>C on the coding strand, the complement: HESX1 is on the minus strand). VCF-style: chr3-57198450-C-G. GRCh37 (hg19) VCF-style: chr3-57232478-C-G.
Other names: c.400G>C, p.Gly134Arg (NM_001376058.1, NM_001376059.1, NM_001376060.1 and 1 more transcripts); short protein forms G134R.
Identifiers: ClinVar variation 1350388 (VCV001350388.6), dbSNP rs2107564014, ClinGen allele CA353400836.

ClinVar aggregate classification (germline): Uncertain significance (1 of 4 stars; one submission).

Conditions:
GROWTH HORMONE DEFICIENCY WITH PITUITARY ANOMALIES. Identifiers: MedGen C2750027, OMIM 182230.
Septo-optic dysplasia sequence (SOD). Also called: DE MORSIER SYNDROME; Septo-optic dysplasia. Identifiers: Orphanet 3157, MedGen C0338503, MONDO:0008428, OMIM 182230, HP:0100842.

Submission:

Labcorp Genetics (formerly Invitae), Labcorp
Classification: Uncertain significance for GROWTH HORMONE DEFICIENCY WITH PITUITARY ANOMALIES; Septo-optic dysplasia sequence. Last evaluated: 2022-12-06. Review status: criteria provided, single submitter. Criteria: Invitae Variant Classification Sherloc (09022015). Collection method: clinical testing. Allele origin: germline.
Comment: In summary, the available evidence is currently insufficient to determine the role of this variant in disease. Therefore, it has been classified as a Variant of Uncertain Significance. Algorithms developed to predict the effect of missense changes on protein structure and function (SIFT, PolyPhen-2, Align-GVGD) all suggest that this variant is likely to be disruptive. ClinVar contains an entry for this variant (Variation ID: 1350388). This variant has not been reported in the literature in individuals affected with HESX1-related conditions. This variant is not present in population databases (gnomAD no frequency). This sequence change replaces glycine, which is neutral and non-polar, with arginine, which is basic and polar, at codon 134 of the HESX1 protein (p.Gly134Arg).